The following is an entry in ClinVar:

NM_014319.5(LEMD3):c.821A>C (p.Gln274Pro)

Gene: LEMD3 (LEM domain containing 3; plus strand). Cytogenetic location: 12q14.3.
Variant type: single nucleotide variant.
Coding change: c.821A>C on transcript NM_014319.5 (MANE Select); coding-DNA position 821, A replaced by C.
Protein change: p.Gln274Pro; replaces glutamine 274 with proline.
Molecular consequence: missense variant.
Genome position (GRCh38, 1-based): chr12:65,170,417, A>C. VCF-style: chr12-65170417-A-C. GRCh37 (hg19) VCF-style: chr12-65564197-A-C.
Other names: c.821A>C, p.Gln274Pro (NM_001167614.2); short protein forms Q274P.
Identifiers: ClinVar variation 2708591 (VCV002708591.3), dbSNP rs561008904, ClinGen allele CA385674141.
Genomic context (GRCh38, chr12:65,170,417, plus strand): 5'-GCCGGGAAAACTATTCGGACTCAGAGGAAGAGGACGACGACGACGTGGCCTCCAGCAGAC[A>C]GGTATTAAAGGACGACTCCCTTTCCCGGCATCGGCCCAGACGAACCCATAGTAAGCCTCT-3'
Protein context (NP_055134.2, residues 264-284): EDDDDVASSR[Gln274Pro]VLKDDSLSRH

ClinVar aggregate classification (germline): Uncertain significance (1 of 4 stars; one submission).

Submission:

Labcorp Genetics (formerly Invitae), Labcorp
Classification: Uncertain significance. Last evaluated: 2024-01-10. Review status: criteria provided, single submitter. Criteria: Invitae Variant Classification Sherloc (09022015). Collection method: clinical testing. Allele origin: germline.
Comment: This sequence change replaces glutamine, which is neutral and polar, with proline, which is neutral and non-polar, at codon 274 of the LEMD3 protein (p.Gln274Pro). This variant is not present in population databases (gnomAD no frequency). This variant has not been reported in the literature in individuals affected with LEMD3-related conditions. An algorithm developed to predict the effect of missense changes on protein structure and function (PolyPhen-2) suggests that this variant is likely to be tolerated. Algorithms developed to predict the effect of sequence changes on RNA splicing suggest that this variant may create or strengthen a splice site. In summary, the available evidence is currently insufficient to determine the role of this variant in disease. Therefore, it has been classified as a Variant of Uncertain Significance.